The following is an entry in ClinVar:

NM_052867.4(NALCN):c.2873A>G (p.Asp958Gly)

Gene: NALCN (sodium leak channel, non-selective; minus strand). Cytogenetic location: 13q33.1.
Variant type: single nucleotide variant.
Coding change: c.2873A>G on transcript NM_052867.4 (MANE Select); coding-DNA position 2873, A replaced by G.
Protein change: p.Asp958Gly; replaces aspartic acid 958 with glycine.
Molecular consequence: missense variant.
Genome position (GRCh38, 1-based): chr13:101,104,311, T>C on the plus strand (A>G on the coding strand, the complement: NALCN is on the minus strand). VCF-style: chr13-101104311-T-C. GRCh37 (hg19) VCF-style: chr13-101756662-T-C.
Other names: c.2960A>G, p.Asp987Gly (NM_001350748.2); c.2873A>G, p.Asp958Gly (NM_001350749.2); c.2786A>G, p.Asp929Gly (NM_001350750.2, NM_001350751.2); short protein forms D929G, D958G, D987G.
Identifiers: ClinVar variation 3877566 (VCV003877566.2).
Genomic context (GRCh38, chr13:101,104,311, plus strand): 5'-CAAAACCATTACATTTTTCATTTAGGCAATAAGCAAAGACTTACAAGATATATAAATATG[T>C]CCATTACTCCACCGAAGTCCCTGATGACAGCAGTTGGAGTGAAAAATAAGCCATCTGCCA-3'
Protein context (NP_443099.1, residues 948-968): AVIRDFGGVM[Asp958Gly]IFIYLVSLIF

ClinVar aggregate classification (germline): Uncertain significance. Review status: criteria provided, multiple submitters, no conflicts (2 of 4 stars). 2 submissions from 2 submitters: Uncertain significance (2). Last evaluated 2025-05-12.

Conditions:
Inborn genetic diseases. Identifiers: MedGen C0950123, MeSH D030342.

gnomAD v4.1: 2 of 1,609,396 alleles (0.00012%); highest among the groups gnomAD compares: South Asian, 0.0011%; no homozygotes.

Submissions (2):

Women's Health and Genetics/Laboratory Corporation of America, LabCorp
Classification: Uncertain significance. Last evaluated: 2025-05-12. Review status: criteria provided, single submitter. Criteria: LabCorp Variant Classification Summary - May 2015. Collection method: clinical testing. Allele origin: germline.
Comment: Variant summary: NALCN c.2873A>G (p.Asp958Gly) results in a non-conservative amino acid change in the encoded protein sequence. Algorithms developed to predict the effect of missense changes on protein structure and function all suggest that this variant is likely to be disruptive. The frequency data for this variant in gnomAD is considered unreliable, as metrics indicate poor data quality at this position. To our knowledge, no occurrence of c.2873A>G in individuals affected with Congenital Contractures Of The Limbs And Face, Hypotonia, And Developmental Delay and no experimental evidence demonstrating its impact on protein function have been reported. ClinVar contains an entry for this variant (Variation ID: 3877566). Based on the evidence outlined above, the variant was classified as uncertain significance.

Ambry Genetics
Classification: Uncertain significance for Inborn genetic diseases. Last evaluated: 2024-12-23. Review status: criteria provided, single submitter. Criteria: Ambry Variant Classification Scheme 2023. Collection method: clinical testing. Allele origin: germline.